The following is an entry in ClinVar:

NM_025216.3(WNT10A):c.717del (p.His239fs)

Gene: WNT10A (Wnt family member 10A; plus strand). Cytogenetic location: 2q35.
Variant type: Deletion.
Coding change: c.717del on transcript NM_025216.3 (MANE Select); coding-DNA position 717, one base deleted (C; older notation c.717delC).
Protein change: p.His239fs; shifts the reading frame from histidine 239.
Molecular consequence: frameshift variant.
Genome position (GRCh38, 1-based): chr2:218,890,324, C deleted. VCF-style (leftmost placement, unchanged base first): chr2-218890323-AC-A. GRCh37 (hg19) VCF-style: chr2-219755045-AC-A.
Other names: short protein forms H239fs.
Identifiers: ClinVar variation 841780 (VCV000841780.8), dbSNP rs1944636041, ClinGen allele CA916082289.

ClinVar aggregate classification (germline): Pathogenic (1 of 4 stars; one submission).

Conditions:
Odonto-onycho-dermal dysplasia. Identifiers: Orphanet 2721, MedGen C0796093, MONDO:0009773, OMIM 257980.
Tooth agenesis, selective, 4 (STHAG4). Also called: SUCCEDANEOUS TEETH, AGENESIS OF; TOOTH AGENESIS, SELECTIVE, 4, WITH OR WITHOUT ECTODERMAL DYSPLASIA; LATERAL INCISORS, ABSENCE OF; LATERAL INCISORS, PEGGED OR MISSING. Identifiers: Orphanet 99798, MedGen C1835492, MONDO:0007881, OMIM 150400. Disease mechanism: loss of function.

Submission:

Labcorp Genetics (formerly Invitae), Labcorp
Classification: Pathogenic for Tooth agenesis, selective, 4; Odonto-onycho-dermal dysplasia. Last evaluated: 2021-10-23. Review status: criteria provided, single submitter. Criteria: Invitae Variant Classification Sherloc (09022015). Collection method: clinical testing. Allele origin: germline.
Comment: This variant is not present in population databases (ExAC no frequency). For these reasons, this variant has been classified as Pathogenic. This variant disrupts a region of the WNT10A protein in which other variant(s) (p.Glu390*) have been determined to be pathogenic (PMID: 24902757; Invitae). This suggests that this is a clinically significant region of the protein, and that variants that disrupt it are likely to be disease-causing. This variant has not been reported in the literature in individuals affected with WNT10A-related conditions. This sequence change creates a premature translational stop signal (p.His239Glnfs*4) in the WNT10A gene. While this is not anticipated to result in nonsense mediated decay, it is expected to disrupt the last 179 amino acid(s) of the WNT10A protein.

Literature cited by the submitters: PubMed 24902757.